The following is an entry in ClinVar:

ClinVar aggregate classification (germline): Conflicting classifications of pathogenicity. Review status: criteria provided, conflicting classifications (1 of 4 stars). 3 submissions from 3 submitters: Uncertain significance (2); Likely benign (1). Last evaluated 2026-08-06.

Conditions:
Hypertrophic cardiomyopathy. Also called: HYPERTROPHIC MYOCARDIOPATHY. Identifiers: Orphanet 217569, MedGen C0007194, MeSH D002312, MONDO:0005045, HP:0001639.
Cardiovascular phenotype. Identifiers: MedGen CN230736.

Allele frequency attached by ClinVar (database versions not stated): gnomAD exomes below 0.00001.

Submissions (3):

Ambry Genetics
Classification: Likely benign for Cardiovascular phenotype. Last evaluated: 2026-08-06. Review status: criteria provided, single submitter. Criteria: Ambry Variant Classification Scheme 2023. Collection method: clinical testing. Allele origin: germline.

All of Us Research Program, National Institutes of Health
Classification: Uncertain significance for Hypertrophic cardiomyopathy. Last evaluated: 2023-08-28. Review status: criteria provided, single submitter. Criteria: ACMG Guidelines, 2015. Collection method: clinical testing. Allele origin: germline. Inheritance: Autosomal dominant inheritance. Observed: 1 variant allele, 1 heterozygote.
Comment: This missense variant replaces proline with serine at codon 145 of the MYBPC3 protein. Computational prediction suggests that this variant may not impact protein structure and function (internally defined REVEL score threshold <= 0.5, PMID: 27666373). To our knowledge, functional studies have not been reported for this variant. This variant has not been reported in individuals affected with MYBPC3-related disorders in the literature. This variant has been identified in 1/165950 chromosomes in the general population by the Genome Aggregation Database (gnomAD). The available evidence is insufficient to determine the role of this variant in disease conclusively. Therefore, this variant is classified as a Variant of Uncertain Significance.

This study involves interpretation of variants in research participants for the purpose of population health screening. Participant phenotype was not available at the time of variant classification. Additional details can be found in publication PMID: 35346344, PMCID: PMC8962531

Labcorp Genetics (formerly Invitae), Labcorp
Classification: Uncertain significance for Hypertrophic cardiomyopathy. Last evaluated: 2023-06-24. Review status: criteria provided, single submitter. Criteria: Invitae Variant Classification Sherloc (09022015). Collection method: clinical testing. Allele origin: germline.
Comment: Algorithms developed to predict the effect of missense changes on protein structure and function output the following: SIFT: "Not Available"; PolyPhen-2: "Benign"; Align-GVGD: "Not Available". The serine amino acid residue is found in multiple mammalian species, which suggests that this missense change does not adversely affect protein function. In summary, the available evidence is currently insufficient to determine the role of this variant in disease. Therefore, it has been classified as a Variant of Uncertain Significance. ClinVar contains an entry for this variant (Variation ID: 1739841). This variant has not been reported in the literature in individuals affected with MYBPC3-related conditions. The frequency data for this variant in the population databases is considered unreliable, as metrics indicate poor data quality at this position in the gnomAD database. This sequence change replaces proline, which is neutral and non-polar, with serine, which is neutral and polar, at codon 145 of the MYBPC3 protein (p.Pro145Ser).

NM_000256.3(MYBPC3):c.433C>T (p.Pro145Ser)

Gene: MYBPC3 (myosin binding protein C3; minus strand). Cytogenetic location: 11p11.2.
Variant type: single nucleotide variant.
Coding change: c.433C>T on transcript NM_000256.3 (MANE Select); coding-DNA position 433, C replaced by T.
Protein change: p.Pro145Ser; replaces proline 145 with serine.
Molecular consequence: missense variant.
Genome position (GRCh38, 1-based): chr11:47,350,086, G>A on the plus strand (C>T on the coding strand, the complement: MYBPC3 is on the minus strand). VCF-style: chr11-47350086-G-A. GRCh37 (hg19) VCF-style: chr11-47371637-G-A.
Other names: short protein forms P145S.
Identifiers: ClinVar variation 1739841 (VCV001739841.7), dbSNP rs1384966923, ClinGen allele CA380338912.
Genomic context (GRCh38, chr11:47,350,086, plus strand): 5'-CGCCATCCTGTGGCCGCATCACGAAGAGGCCAATGGGGTCATCGGGGGCTCCAGGGGTAG[G>A]ACCATTGAGAGCTGCTGAGCTTGACCCTGTGAGCAAAGGCTTTTTCTGTTTGTTTGAGAT-3'
Protein context (NP_000247.2, residues 135-155): KGSSSAALNG[Pro145Ser]TPGAPDDPIG